The following is an entry in ClinVar:

NM_001093.4(ACACB):c.4782C>G (p.Leu1594=)

Gene: ACACB (acetyl-CoA carboxylase beta; plus strand). Cytogenetic location: 12q24.11.
Variant type: single nucleotide variant.
Coding change: c.4782C>G on transcript NM_001093.4 (MANE Select); coding-DNA position 4782, C replaced by G.
Protein change: p.Leu1594=; no amino-acid change (leucine 1594 retained).
Molecular consequence: synonymous variant.
Genome position (GRCh38, 1-based): chr12:109,239,949, C>G. VCF-style: chr12-109239949-C-G. GRCh37 (hg19) VCF-style: chr12-109677754-C-G.
Other names: c.4176C>G, p.Leu1392= (NM_001412739.1, NM_001412736.1); c.4782C>G, p.Leu1594= (NM_001412734.1, NM_001412735.1); c.4155C>G, p.Leu1385= (NM_001412737.1); c.3987C>G, p.Leu1329= (NM_001412738.1).
Identifiers: ClinVar variation 4981064 (VCV004981064.1).

ClinVar aggregate classification (germline): Likely benign (1 of 4 stars; one submission).

Conditions:
ACACB-related disorder. Also called: ACACB-related condition.

gnomAD v4.1: 68 of 1,614,056 alleles (0.0042%); highest among the groups gnomAD compares: Admixed American, 0.07%; 1 homozygote.

Submission:

PreventionGenetics, part of Exact Sciences
Classification: Likely benign for ACACB-related condition. Last evaluated: 2024-10-10. Review status: criteria provided, single submitter. Criteria: ACMG Guidelines, 2015. Collection method: clinical testing. Allele origin: germline.
Comment: This variant is classified as likely benign based on ACMG/AMP sequence variant interpretation guidelines (Richards et al. 2015 PMID: 25741868, with internal and published modifications).